The following is an entry in ClinVar:

ClinVar aggregate classification (germline): Conflicting classifications of pathogenicity. Review status: criteria provided, conflicting classifications (1 of 4 stars). 4 submissions from 4 submitters: Uncertain significance (2); Likely benign (1). 1 of the submissions does not count toward it. Last evaluated 2025-11-15.

Conditions:
SEMA3E-related disorder. Also called: SEMA3E-related condition.
CHARGE syndrome (CHARGE). Also called: Hittner Hirsch Kreh syndrome; CHARGE ASSOCIATION--COLOBOMA, HEART ANOMALY, CHOANAL ATRESIA, RETARDATION, GENITAL AND EAR ANOMALIES; Coloboma, heart anomaly, choanal atresia, retardation, genital and ear anomalies; CHARGE association; Hall-Hittner syndrome. Identifiers: Orphanet 138, MedGen C0265354, MONDO:0008965.

Allele frequency attached by ClinVar (database versions not stated): gnomAD exomes 0.00003 and 0.00008; ExAC 0.00011; gnomAD 0.00027 and 0.00029; 1000 Genomes Project 30x 0.00031; ESP Exome Variant Server 0.00038; 1000 Genomes Project 0.00040; TOPMed 0.00040.
gnomAD v4.1: 84 of 1,612,380 alleles (0.0052%); highest among the groups gnomAD compares: African/African-American, 0.1%; no homozygotes.

Submissions (4):

Labcorp Genetics (formerly Invitae), Labcorp
Classification: Uncertain significance for CHARGE syndrome. Last evaluated: 2025-11-15. Review status: criteria provided, single submitter. Criteria: Invitae Variant Classification Sherloc (09022015). Collection method: clinical testing. Allele origin: germline.
Comment: This sequence change replaces asparagine, which is neutral and polar, with serine, which is neutral and polar, at codon 683 of the SEMA3E protein (p.Asn683Ser). This variant is present in population databases (rs144370841, gnomAD 0.1%), and has an allele count higher than expected for a pathogenic variant. This variant has not been reported in the literature in individuals affected with SEMA3E-related conditions. ClinVar contains an entry for this variant (Variation ID: 459536). An algorithm developed to predict the effect of missense changes on protein structure and function outputs the following: PolyPhen-2: "Benign". The serine amino acid residue is found in multiple mammalian species, which suggests that this missense change does not adversely affect protein function. In summary, the available evidence is currently insufficient to determine the role of this variant in disease. Therefore, it has been classified as a Variant of Uncertain Significance.

Ambry Genetics
Classification: Uncertain significance. Last evaluated: 2021-10-14. Review status: criteria provided, single submitter. Criteria: Ambry Variant Classification Scheme 2023. Collection method: clinical testing. Allele origin: germline.

GeneDx
Classification: Likely benign. Last evaluated: 2020-12-03. Review status: criteria provided, single submitter. Criteria: GeneDx Variant Classification Process June 2021. Collection method: clinical testing. Allele origin: germline. Affected: yes.
Comment: In silico analysis supports that this missense variant does not alter protein structure/function; Has not been previously published as pathogenic or benign to our knowledge

PreventionGenetics, part of Exact Sciences
Classification: Likely benign for SEMA3E-related condition. Last evaluated: 2022-01-31. Review status: no assertion criteria provided. Collection method: clinical testing. Allele origin: germline. Not counted in ClinVar's aggregate classification.
Comment: This variant is classified as likely benign based on ACMG/AMP sequence variant interpretation guidelines (Richards et al. 2015 PMID: 25741868, with internal and published modifications).

NM_012431.3(SEMA3E):c.2048A>G (p.Asn683Ser)

Gene: SEMA3E (semaphorin 3E; minus strand). Cytogenetic location: 7q21.11.
Variant type: single nucleotide variant.
Coding change: c.2048A>G on transcript NM_012431.3 (MANE Select); coding-DNA position 2048, A replaced by G.
Protein change: p.Asn683Ser; replaces asparagine 683 with serine.
Molecular consequence: missense variant.
Genome position (GRCh38, 1-based): chr7:83,367,866, T>C on the plus strand (A>G on the coding strand, the complement: SEMA3E is on the minus strand). VCF-style: chr7-83367866-T-C. GRCh37 (hg19) VCF-style: chr7-82997182-T-C.
Other names: c.1868A>G, p.Asn623Ser (NM_001178129.2); short protein forms N683S, N623S.
Identifiers: ClinVar variation 459536 (VCV000459536.13), dbSNP rs144370841, ClinGen allele CA4321838.